The following is an entry in ClinVar:

NM_001164508.2(NEB):c.23510C>T (p.Thr7837Met)

Genes: NEB (nebulin; minus strand), RIF1 (replication timing regulatory factor 1; plus strand). Cytogenetic location: 2q23.3.
Variant type: single nucleotide variant.
Coding change: c.23510C>T on transcript NM_001164508.2 (MANE Select); coding-DNA position 23510, C replaced by T.
Protein change: p.Thr7837Met; replaces threonine 7837 with methionine.
Molecular consequence: missense variant.
Genome position (GRCh38, 1-based): chr2:151,506,955, G>A on the plus strand (C>T on the coding strand, the complement: NEB is on the minus strand). VCF-style: chr2-151506955-G-A. GRCh37 (hg19) VCF-style: chr2-152363469-G-A.
Other names: NM_001164508.2(NEB):c.23510C>T; p.Thr7837Met; c.23510C>T, p.Thr7837Met (NM_001164507.2); c.23615C>T, p.Thr7872Met (NM_001271208.2); c.18407C>T, p.Thr6136Met (NM_004543.5); c.18407C>T (NM_004543.4); short protein forms T7837M, T6136M, T7872M.
Identifiers: ClinVar variation 654581 (VCV000654581.16), dbSNP rs370108917, ClinGen allele CA1906338.

ClinVar aggregate classification (germline): Conflicting classifications of pathogenicity. Review status: criteria provided, conflicting classifications (1 of 4 stars). 5 submissions from 5 submitters: Uncertain significance (4); Likely benign (1). Last evaluated 2026-09-27.

Conditions:
Nemaline myopathy. Also called: Myopathies, Nemaline. Identifiers: Orphanet 607, MedGen C0206157, MONDO:0018958.
Nemaline myopathy 2 (NEM2). Also called: Nemaline myopathy 2, autosomal recessive. Identifiers: MedGen C1850569, MONDO:0009725, OMIM 256030.
Inborn genetic diseases. Identifiers: MedGen C0950123, MeSH D030342.

Allele frequency attached by ClinVar (database versions not stated): ExAC 0.00007; ESP Exome Variant Server 0.00008; TOPMed 0.00005; gnomAD exomes 0.00006 and 0.00003; gnomAD 0.00005.
gnomAD v4.1: 57 of 1,611,440 alleles (0.0035%); highest among the groups gnomAD compares: Middle Eastern, 0.017%; 1 homozygote.

Submissions (5):

GeneDx
Classification: Uncertain significance. Last evaluated: 2026-09-27. Review status: criteria provided, single submitter. Criteria: GeneDx Variant Classification Process June 2021. Collection method: clinical testing. Allele origin: germline.
Comment: In silico analysis supports that this missense variant has a deleterious effect on protein structure/function; Has not been previously published as pathogenic or benign to our knowledge

Labcorp Genetics (formerly Invitae), Labcorp
Classification: Likely benign for Nemaline myopathy 2. Last evaluated: 2026-01-24. Review status: criteria provided, single submitter. Criteria: Invitae Variant Classification Sherloc (09022015). Collection method: clinical testing. Allele origin: germline.

Ambry Genetics
Classification: Uncertain significance for Inborn genetic diseases. Last evaluated: 2025-03-31. Review status: criteria provided, single submitter. Criteria: Ambry Variant Classification Scheme 2023. Collection method: clinical testing. Allele origin: germline.

Broad Center for Mendelian Genomics, Broad Institute of MIT and Harvard
Classification: Uncertain significance for Nemaline myopathy. Last evaluated: 2025-03-03. Review status: criteria provided, single submitter. Criteria: ACMG Guidelines, 2015. Collection method: curation. Allele origin: germline. Inheritance: Autosomal recessive inheritance.
Comment: The p.Thr7837Met variant in NEB has not been previously reported in the literature in individuals with nemaline myopathy, but has been identified in 0.02% (1/5860) of Middle Eastern chromosomes by the Genome Aggregation Database (gnomAD; dbSNP ID: rs370108917). Although this variant has been seen in the general population in a heterozygous state, its frequency is low enough to be consistent with a recessive carrier frequency. This variant has also been reported in ClinVar (Variation ID: 654581) and has been interpreted as likely benign by Invitae, likely pathogenic by GeneDx, and as a variant of uncertain significance by Ambry Genetics and PerkinElmer Genomics. Computational prediction tools and conservation analyses do not provide strong support for or against an impact to the protein. In summary, the clinical significance of the p.Thr7837Met variant is uncertain. ACMG/AMP Criteria applied: PM2_supporting (Richards 2015).

Revvity Omics, Revvity
Classification: Uncertain significance. Last evaluated: 2022-05-12. Review status: criteria provided, single submitter. Criteria: ACMG Guidelines, 2015. Collection method: clinical testing. Allele origin: germline.